The following is an entry in ClinVar:

NM_001267550.2(TTN):c.23541T>A (p.Ile7847=)

Gene: TTN (titin; minus strand). Cytogenetic location: 2q31.2.
Variant type: single nucleotide variant.
Coding change: c.23541T>A on transcript NM_001267550.2 (MANE Select); coding-DNA position 23541, T replaced by A.
Protein change: p.Ile7847=; no amino-acid change (isoleucine 7847 retained).
Molecular consequence: synonymous variant. On other transcripts: intron variant (3).
Genome position (GRCh38, 1-based): chr2:178,720,101, A>T on the plus strand (T>A on the coding strand, the complement: TTN is on the minus strand). VCF-style: chr2-178720101-A-T. GRCh37 (hg19) VCF-style: chr2-179584828-A-T.
Other names: c.22590T>A, p.Ile7530= (NM_001256850.1); c.19809T>A, p.Ile6603= (NM_133378.4); c.13282+17981T>A (NM_003319.4); c.13858+17981T>A (NM_133437.4); c.13657+17981T>A (NM_133432.3).
Identifiers: ClinVar variation 2672846 (VCV002672846.23), dbSNP rs2529332802, ClinGen allele CA430287135.

ClinVar aggregate classification (germline): Likely benign (1 of 4 stars; one submission).

Submission:

CeGaT Center for Human Genetics Tuebingen
Classification: Likely benign. Last evaluated: 2023-11-01. Review status: criteria provided, single submitter. Criteria: CeGaT Center For Human Genetics Tuebingen Variant Classification Criteria Version 2. Collection method: clinical testing. Allele origin: germline. Affected: yes. Observed: 1 variant allele.
Comment: TTN: PM2:Supporting, BP4, BP7